The following is an entry in ClinVar:

NM_017827.4(SARS2):c.820A>T (p.Met274Leu)

Gene: SARS2 (seryl-tRNA synthetase 2, mitochondrial; minus strand). Cytogenetic location: 19q13.2.
Variant type: single nucleotide variant.
Coding change: c.820A>T on transcript NM_017827.4 (MANE Select); coding-DNA position 820, A replaced by T.
Protein change: p.Met274Leu; replaces methionine 274 with leucine.
Molecular consequence: missense variant.
Genome position (GRCh38, 1-based): chr19:38,918,518, T>A on the plus strand (A>T on the coding strand, the complement: SARS2 is on the minus strand). VCF-style: chr19-38918518-T-A. GRCh37 (hg19) VCF-style: chr19-39409158-T-A.
Other names: c.826A>T, p.Met276Leu (NM_001145901.2); short protein forms M274L, M276L.
Identifiers: ClinVar variation 1033452 (VCV001033452.1), dbSNP rs1974461797, ClinGen allele CA405736797.

ClinVar aggregate classification (germline): Uncertain significance (1 of 4 stars; one submission).

Conditions:
Hyperuricemia, pulmonary hypertension, renal failure, alkalosis syndrome (HUPRAS). Also called: HYPERURICEMIA, PULMONARY HYPERTENSION, RENAL FAILURE, AND ALKALOSIS SYNDROME; HUPRA SYNDROME. Identifiers: Orphanet 363694, MedGen C3151209, MONDO:0013458, OMIM 613845.

Allele frequency attached by ClinVar (database versions not stated): gnomAD exomes below 0.00001.

Submission:

Baylor Genetics
Classification: Uncertain significance for Hyperuricemia, pulmonary hypertension, renal failure, alkalosis syndrome. Last evaluated: 2018-03-30. Review status: criteria provided, single submitter. Criteria: ACMG Guidelines, 2015. Collection method: clinical testing. Allele origin: paternal. Affected: yes.
Comment: This variant was determined to be of uncertain significance according to ACMG Guidelines, 2015 [PMID:25741868].